The following is an entry in ClinVar:

NM_022489.4(INF2):c.637G>A (p.Ala213Thr)

Gene: INF2 (inverted formin 2; plus strand). Cytogenetic location: 14q32.33.
Variant type: single nucleotide variant.
Coding change: c.637G>A on transcript NM_022489.4 (MANE Select); coding-DNA position 637, G replaced by A.
Protein change: p.Ala213Thr; replaces alanine 213 with threonine.
Molecular consequence: missense variant.
Genome position (GRCh38, 1-based): chr14:104,703,424, G>A. VCF-style: chr14-104703424-G-A. GRCh37 (hg19) VCF-style: chr14-105169761-G-A.
Other names: c.637G>A, p.Ala213Thr (NM_001031714.4, NM_032714.3); short protein forms A213T.
Identifiers: ClinVar variation 1907219 (VCV001907219.5), dbSNP rs778267218, ClinGen allele CA7372348.

ClinVar aggregate classification (germline): Uncertain significance (1 of 4 stars; one submission).

Conditions:
Charcot-Marie-Tooth disease dominant intermediate E. Also called: CHARCOT-MARIE-TOOTH NEUROPATHY WITH FOCAL SEGMENTAL GLOMERULONEPHRITIS. Identifiers: Orphanet 93114, MedGen C4302667, MONDO:0013758, OMIM 614455.
Focal segmental glomerulosclerosis 5 (FSGS5). Identifiers: Orphanet 656, MedGen C2750475, MONDO:0013191, OMIM 613237.

Allele frequency attached by ClinVar (database versions not stated): ExAC 0.00001; gnomAD exomes 0.00001; TOPMed 0.00001; 1000 Genomes Project 30x 0.00016.

Submission:

Labcorp Genetics (formerly Invitae), Labcorp
Classification: Uncertain significance for Charcot-Marie-Tooth disease dominant intermediate E; Focal segmental glomerulosclerosis 5. Last evaluated: 2022-05-19. Review status: criteria provided, single submitter. Criteria: Invitae Variant Classification Sherloc (09022015). Collection method: clinical testing. Allele origin: germline.
Comment: In summary, the available evidence is currently insufficient to determine the role of this variant in disease. Therefore, it has been classified as a Variant of Uncertain Significance. Algorithms developed to predict the effect of missense changes on protein structure and function output the following: SIFT: "Tolerated"; PolyPhen-2: "Benign"; Align-GVGD: "Class C0". The threonine amino acid residue is found in multiple mammalian species, which suggests that this missense change does not adversely affect protein function. This variant has not been reported in the literature in individuals affected with INF2-related conditions. This variant is present in population databases (rs778267218, gnomAD 0.003%). This sequence change replaces alanine, which is neutral and non-polar, with threonine, which is neutral and polar, at codon 213 of the INF2 protein (p.Ala213Thr).